The following is an entry in ClinVar:

ClinVar aggregate classification (germline): Conflicting classifications of pathogenicity. Review status: criteria provided, conflicting classifications (1 of 4 stars). 2 submissions from 2 submitters: Uncertain significance (1); Likely benign (1). Last evaluated 2026-06-01.

gnomAD v4.1: 8 of 1,614,038 alleles (0.0005%); highest among the groups gnomAD compares: Admixed American, 0.0017%; no homozygotes.

Submissions (2):

CeGaT Center for Human Genetics Tuebingen
Classification: Likely benign. Last evaluated: 2026-06-01. Review status: criteria provided, single submitter. Criteria: CeGaT Center For Human Genetics Tuebingen Variant Classification Criteria Version 2. Collection method: clinical testing. Allele origin: germline. Affected: yes. Observed: 2 variant alleles.
Comment: HIVEP2: BP4

Women's Health and Genetics/Laboratory Corporation of America, LabCorp
Classification: Uncertain significance. Last evaluated: 2026-03-05. Review status: criteria provided, single submitter. Criteria: LabCorp Variant Classification Summary - May 2015. Collection method: clinical testing. Allele origin: germline.
Comment: Variant summary: HIVEP2 c.478C>T (p.Pro160Ser) results in a non-conservative amino acid change in the encoded protein sequence. Algorithms developed to predict the effect of missense changes on protein structure and function are either unavailable or do not agree on the potential impact of this missense change. The variant was absent in 249508 control chromosomes. The available data on variant occurrences in the general population are insufficient to allow any conclusion about variant significance. To our knowledge, no occurrence of c.478C>T in individuals affected with HIVEP2-related conditions and no experimental evidence demonstrating its impact on protein function have been reported. ClinVar contains an entry for this variant (Variation ID: 3389073). Based on the evidence outlined above, the variant was classified as uncertain significance.

NM_006734.4(HIVEP2):c.478C>T (p.Pro160Ser)

Gene: HIVEP2 (HIVEP zinc finger 2; minus strand). Cytogenetic location: 6q24.2.
Variant type: single nucleotide variant.
Coding change: c.478C>T on transcript NM_006734.4 (MANE Select); coding-DNA position 478, C replaced by T.
Protein change: p.Pro160Ser; replaces proline 160 with serine.
Molecular consequence: missense variant.
Genome position (GRCh38, 1-based): chr6:142,774,261, G>A on the plus strand (C>T on the coding strand, the complement: HIVEP2 is on the minus strand). VCF-style: chr6-142774261-G-A. GRCh37 (hg19) VCF-style: chr6-143095398-G-A.
Other names: short protein forms P160S.
Identifiers: ClinVar variation 3389073 (VCV003389073.15).
Genomic context (GRCh38, chr6:142,774,261, plus strand): 5'-CTTTCTTGTGAGCCTCTTCTGCCTGTTCAATACTTTTCTGGGAGTATTGGCTATAAGCAG[G>A]GTTCAGACTTGAAATCTTTTTTCTAGGATAACCACCACTGTGGCCATGTATAGGAAAAGG-3'
Protein context (NP_006725.3, residues 150-170): YPRKKISSLN[Pro160Ser]AYSQYSQKSI